The following is an entry in ClinVar:

ClinVar aggregate classification (germline): Pathogenic/Likely pathogenic. Review status: criteria provided, multiple submitters, no conflicts (2 of 4 stars). 2 submissions from 2 submitters: Pathogenic (1); Likely pathogenic (1). Last evaluated 2022-10-24.

Submissions (2):

Labcorp Genetics (formerly Invitae), Labcorp
Classification: Pathogenic. Last evaluated: 2022-10-24. Review status: criteria provided, single submitter. Criteria: Invitae Variant Classification Sherloc (09022015). Collection method: clinical testing. Allele origin: germline.
Comment: This sequence change creates a premature translational stop signal (p.Glu417*) in the SERPING1 gene. While this is not anticipated to result in nonsense mediated decay, it is expected to disrupt the last 84 amino acid(s) of the SERPING1 protein. For these reasons, this variant has been classified as Pathogenic. This variant disrupts a region of the SERPING1 protein in which other variant(s) (p.Arg494*) have been determined to be pathogenic (PMID: 8755917, 30508583, 32065705; Invitae). This suggests that this is a clinically significant region of the protein, and that variants that disrupt it are likely to be disease-causing. Algorithms developed to predict the effect of sequence changes on RNA splicing suggest that this variant may create or strengthen a splice site. ClinVar contains an entry for this variant (Variation ID: 1013322). This variant has not been reported in the literature in individuals affected with SERPING1-related conditions. This variant is not present in population databases (gnomAD no frequency).

CeGaT Center for Human Genetics Tuebingen
Classification: Likely pathogenic. Last evaluated: 2020-10-01. Review status: criteria provided, single submitter. Criteria: CeGaT Center For Human Genetics Tuebingen Variant Classification Criteria Version 2. Collection method: clinical testing. Allele origin: germline. Affected: yes. Observed: 1 variant allele.

Literature cited by the submitters: PubMed 8755917 (cited by Labcorp Genetics (formerly Invitae), Labcorp); PubMed 30508583 (cited by Labcorp Genetics (formerly Invitae), Labcorp); PubMed 32065705 (cited by Labcorp Genetics (formerly Invitae), Labcorp).

NM_000062.3(SERPING1):c.1249G>T (p.Glu417Ter)

Gene: SERPING1 (serpin family G member 1; plus strand). Cytogenetic location: 11q12.1.
Variant type: single nucleotide variant.
Coding change: c.1249G>T on transcript NM_000062.3 (MANE Select); coding-DNA position 1249, G replaced by T.
Protein change: p.Glu417Ter; replaces glutamic acid 417 with a stop codon.
Molecular consequence: nonsense.
Genome position (GRCh38, 1-based): chr11:57,611,936, G>T. VCF-style: chr11-57611936-G-T. GRCh37 (hg19) VCF-style: chr11-57379409-G-T.
Other names: c.1249G>T, p.Glu417Ter (NM_001032295.2); short protein forms E417*.
Identifiers: ClinVar variation 1013322 (VCV001013322.42), dbSNP rs755108467, ClinGen allele CA380703546.